The following continues an entry in ClinVar:

NM_007294.4(BRCA1):c.470_471del (p.Leu156_Ser157insTer)

Gene: BRCA1. ClinVar aggregate classification (germline): Pathogenic. Pathogenic (1).

Submissions 11 to 26 of 26:

Laboratorio de Genetica e Diagnostico Molecular, Hospital Israelita Albert Einstein
Classification: Pathogenic for Breast-ovarian cancer, familial, susceptibility to, 1. Last evaluated: 2022-04-29. Review status: criteria provided, single submitter. Criteria: ACMG Guidelines, 2015. Collection method: clinical testing. Allele origin: germline. Affected: yes. Observed: 1 variant allele. Not counted in ClinVar's aggregate classification.
Comment: ACMG classification criteria: PVS1 very strong, PS4 strong, PM2 moderated, PP1 moderated

Dasa
Classification: Pathogenic for Breast-ovarian cancer, familial, susceptibility to, 1. Last evaluated: 2022-04-10. Review status: criteria provided, single submitter. Criteria: ACMG Guidelines, 2015. Collection method: clinical testing. Allele origin: germline. Affected: yes. Observed: 1 variant allele. Not counted in ClinVar's aggregate classification.
Comment: The c.470_471del;p.(Ser157*) variant creates a premature translational stop signal in the BRCA1 gene. It is expected to result in an absent or disrupted protein product -PVS1. This sequence change has been observed in affected individual(s) and ClinVar contains an entry for this variant (ClinVar ID: 37608; PMID: 11149413; PMID: 22970155; PMID: 23683081; PMID: 29907814) - PS4. This variant is not present in population databases (rs80357887- gnomAD; ABraOM no frequency) - PM2. In summary, the currently available evidence indicates that the variant is pathogenic

ARUP Laboratories, Molecular Genetics and Genomics, ARUP Laboratories
Classification: Pathogenic. Last evaluated: 2022-03-15. Review status: criteria provided, single submitter. Criteria: ARUP Molecular Germline Variant Investigation Process 2021. Collection method: clinical testing. Allele origin: germline. Not counted in ClinVar's aggregate classification.
Comment: The BRCA1 c.470_471delCT; p.Ser157Ter variant (rs80357887), also known as 589delCT, is reported in several individuals and families with hereditary breast and/or ovarian cancer (de la Hoya 2001, de lay Hoya 2002, Fernandes 2016, Wen 2018). The variant is reported as pathogenic by several sources in the ClinVar database (Variation ID: 37608) and is absent from the Genome Aggregation Database, indicating it is not a common polymorphism. This variant deletes two nucleotides, leading to an immediate nonsense codon, so it is predicted to result in a truncated protein or mRNA subject to nonsense-mediated decay. Based on available information, this variant is classified as pathogenic. References: de la Hoya M et al. Spanish family study on hereditary breast and/or ovarian cancer: analysis of the BRCA1 gene. Int J Cancer. 2001 Jan 1;91(1):137-40. PMID: 11149413. de la Hoya M et al. Association between BRCA1 and BRCA2 mutations and cancer phenotype in Spanish breast/ovarian cancer families: implications for genetic testing. Int J Cancer. 2002 Feb 1;97(4):466-71. PMID: 11802208. Fernandes GC et al. Prevalence of BRCA1/BRCA2 mutations in a Brazilian population sample at-risk for hereditary breast cancer and characterization of its genetic ancestry. Oncotarget. 2016 Dec 6;7(49):80465-80481. PMID: 27741520. Wen WX et al. Inherited mutations in BRCA1 and BRCA2 in an unselected multiethnic cohort of Asian patients with breast cancer and healthy controls from Malaysia. J Med Genet. 2018 Feb;55(2):97-103. PMID: 28993434.

GeneDx
Classification: Pathogenic. Last evaluated: 2021-11-22. Review status: criteria provided, single submitter. Criteria: GeneDx Variant Classification Process June 2021. Collection method: clinical testing. Allele origin: germline. Affected: yes. Not counted in ClinVar's aggregate classification.
Comment: Nonsense variant predicted to result in protein truncation or nonsense mediated decay in a gene for which loss-of-function is a known mechanism of disease; Observed in individuals with a personal or family history consistent with pathogenic variants in this gene (Tang 1999, de la Hoya 2001, Kwong 2012, Blay 2013, Peixoto 2015); Not observed at significant frequency in large population cohorts (Lek 2016); Truncating variants in this gene are considered pathogenic by a well-established clinical consortium and/or database; Also known as 589_590delCT; This variant is associated with the following publications: (PMID: 17603881, 24249303, 11149413, 22970155, 26187060, 24916970, 28127413, 24578176, 27157322, 12955716, 23199084, 23683081, 18627636, 10340909, 27553291, 28961279, 11802208, 29752822, 28993434, 30702160, 27741520, 29176636, 31825140, 30787465, 32101877)

Genetics Program, Instituto Nacional de Cancer
Classification: Pathogenic for Hereditary breast ovarian cancer syndrome. Last evaluated: 2021-11-01. Review status: criteria provided, single submitter. Criteria: ACMG Guidelines, 2015. Collection method: research. Allele origin: germline. Affected: yes. Not counted in ClinVar's aggregate classification.

Department of Pathology and Laboratory Medicine, Sinai Health System
Classification: Pathogenic for Fanconi anemia, complementation group S. Last evaluated: 2021-10-26. Review status: criteria provided, single submitter. Criteria: ACMG Guidelines, 2015. Collection method: clinical testing. Allele origin: germline. Affected: no. Not counted in ClinVar's aggregate classification.

Women's Health and Genetics/Laboratory Corporation of America, LabCorp
Classification: Pathogenic for Hereditary breast and ovarian cancer syndrome. Last evaluated: 2020-08-10. Review status: criteria provided, single submitter. Criteria: LabCorp Variant Classification Summary - May 2015. Collection method: clinical testing. Allele origin: germline. Not counted in ClinVar's aggregate classification.
Comment: Variant summary: BRCA1 c.470_471delCT (p.Ser157X) results in a premature termination codon, predicted to cause a truncation of the encoded protein or absence of the protein due to nonsense mediated decay, which are commonly known mechanisms for disease. Truncations downstream of this position have been classified as pathogenic by our laboratory. The variant was absent in 251450 control chromosomes. c.470_471delCT has been reported in the literature in multiple individuals affected with Hereditary Breast And Ovarian Cancer Syndrome (delaHoya_2002, Judkins_2005, Kwong_2012, Peixoto_2014). These data indicate that the variant is very likely to be associated with disease. Eight clinical diagnostic laboratories have submitted clinical-significance assessments for this variant to ClinVar after 2014 without evidence for independent evaluation. All laboratories classified the variant as pathogenic. Based on the evidence outlined above, the variant was classified as pathogenic.

Mendelics
Classification: Pathogenic for Hereditary breast and ovarian cancer syndrome. Last evaluated: 2018-07-02. Review status: criteria provided, single submitter. Criteria: Mendelics Assertion Criteria 2017. Collection method: clinical testing. Allele origin: unknown. Not counted in ClinVar's aggregate classification.

Consortium of Investigators of Modifiers of BRCA1/2 (CIMBA), c/o University of Cambridge
Classification: Pathogenic for Breast-ovarian cancer, familial, susceptibility to, 1. Last evaluated: 2015-10-02. Review status: criteria provided, single submitter. Criteria: CIMBA Mutation Classification guidelines May 2016. Collection method: clinical testing. Allele origin: germline. Not counted in ClinVar's aggregate classification.

Juno Genomics, Hangzhou Juno Genomics, Inc
Classification: Pathogenic for Breast-ovarian cancer, familial, susceptibility to, 1. Review status: criteria provided, single submitter. Criteria: ACMG Guidelines, 2015. Collection method: clinical testing. Allele origin: germline. Not counted in ClinVar's aggregate classification.
Comment: Absent from controls (or at extremely low frequency if recessive) in Genome Aggregation Database.;Null variant in a gene where loss of function (LOF) is a known mechanism of disease.;Novel missense change at an amino acid residue where a different missense change determined to be pathogenic has been seen before.

BRCAlab, Lund University
Classification: Pathogenic for Breast-ovarian cancer, familial, susceptibility to, 1. Last evaluated: 2022-08-26. Review status: no assertion criteria provided. Collection method: clinical testing. Allele origin: germline. Affected: yes. Not counted in ClinVar's aggregate classification.

Molecular Oncology, Hospital Universitario Central de Asturias (HUCA)
Classification: Pathogenic for Breast-ovarian cancer, familial, susceptibility to, 1. Last evaluated: 2021-05-24. Review status: no assertion criteria provided. Collection method: case-control. Allele origin: germline. Affected: yes. Not counted in ClinVar's aggregate classification.

Research Molecular Genetics Laboratory, Women's College Hospital, University of Toronto
Classification: Pathogenic for Hereditary breast ovarian cancer syndrome. Last evaluated: 2014-01-31. Review status: no assertion criteria provided. Collection method: research. Allele origin: germline. Affected: yes. Study: The Canadian Open Genetics Repository (COGR). Not counted in ClinVar's aggregate classification.

Sharing Clinical Reports Project (SCRP)
Classification: Pathogenic for Breast-ovarian cancer, familial 1. Last evaluated: 2010-08-27. Review status: no assertion criteria provided. Collection method: clinical testing. Allele origin: germline. Not counted in ClinVar's aggregate classification.

Breast Cancer Information Core (BIC) (BRCA1)
No classification provided. Condition: Breast-ovarian cancer, familial 1. Review status: no classification provided. Collection method: clinical testing. Allele origin: germline, somatic. Affected: yes. Observed: 8 variant alleles. Not counted in ClinVar's aggregate classification.

Center for Precision Medicine, Meizhou People's Hospital
Classification: Pathogenic for Familial cancer of breast. Review status: no assertion criteria provided. Collection method: literature only. Allele origin: germline. Affected: yes. Not counted in ClinVar's aggregate classification.

Literature cited by the submitters: PubMed 20104584 (cited by Labcorp Genetics (formerly Invitae), Labcorp); PubMed 11149413 (cited by 4 submitters); PubMed 22970155 (cited by 8 submitters); PubMed 23683081 (cited by 6 submitters); PubMed 24916970 (cited by 5 submitters); PubMed 12955716 (cited by Ambry Genetics and Color Diagnostics, LLC DBA Color Health); PubMed 27553368 (cited by Ambry Genetics and Color Diagnostics, LLC DBA Color Health); PubMed 27741520 (cited by Ambry Genetics and Color Diagnostics, LLC DBA Color Health); PubMed 28993434 (cited by Ambry Genetics); PubMed 29176636 (cited by Ambry Genetics and Quest Diagnostics Nichols Institute San Juan Capistrano); PubMed 29446198 (cited by Ambry Genetics and Quest Diagnostics Nichols Institute San Juan Capistrano); PubMed 29752822 (cited by 3 submitters); PubMed 29907814 (cited by 4 submitters); PubMed 30702160 (cited by Ambry Genetics and Quest Diagnostics Nichols Institute San Juan Capistrano); PubMed 11802208 (cited by Color Diagnostics, LLC DBA Color Health and Women's Health and Genetics/Laboratory Corporation of America, LabCorp); PubMed 16998791 (cited by Color Diagnostics, LLC DBA Color Health); PubMed 20617377 (cited by Color Diagnostics, LLC DBA Color Health); PubMed 24249303 (cited by Color Diagnostics, LLC DBA Color Health); PubMed 22762150 (cited by Quest Diagnostics Nichols Institute San Juan Capistrano); PubMed 10340909 (cited by Quest Diagnostics Nichols Institute San Juan Capistrano); PubMed 18627636 (cited by Quest Diagnostics Nichols Institute San Juan Capistrano); PubMed 36329109 (cited by Genetics Program, Instituto Nacional de Cancer); PubMed 16267036 (cited by Women's Health and Genetics/Laboratory Corporation of America, LabCorp); PubMed 21702907 (cited by Women's Health and Genetics/Laboratory Corporation of America, LabCorp); PubMed 38922859 (cited by Molecular Oncology, Hospital Universitario Central de Asturias (HUCA)).